The following is an entry in ClinVar:

ClinVar aggregate classification (germline): Uncertain significance (1 of 4 stars; one submission).

Conditions:
Hereditary cancer-predisposing syndrome. Also called: Neoplastic Syndromes, Hereditary; Tumor predisposition; Hereditary Cancer Syndrome; Hereditary neoplastic syndrome. Identifiers: Orphanet 140162, MedGen C0027672, MeSH D009386, MONDO:0015356.

Submission:

Ambry Genetics
Classification: Uncertain significance for Hereditary cancer-predisposing syndrome. Last evaluated: 2025-11-04. Review status: criteria provided, single submitter. Criteria: Ambry Variant Classification Scheme 2023. Collection method: clinical testing. Allele origin: germline.
Comment: The p.D91H variant (also known as c.271G>C), located in coding exon 2 of the NTHL1 gene, results from a G to C substitution at nucleotide position 271. The aspartic acid at codon 91 is replaced by histidine, an amino acid with similar properties. This amino acid position is conserved. In addition, this alteration is predicted to be tolerated by in silico analysis. Based on the available evidence, the clinical significance of this variant remains unclear.

NM_002528.7(NTHL1):c.247G>C (p.Asp83His)

Gene: NTHL1 (nth like DNA glycosylase 1; minus strand). Cytogenetic location: 16p13.3.
Variant type: single nucleotide variant.
Coding change: c.247G>C on transcript NM_002528.7 (MANE Select); coding-DNA position 247, G replaced by C.
Protein change: p.Asp83His; replaces aspartic acid 83 with histidine.
Molecular consequence: missense variant. On other transcripts: intron variant (1).
Genome position (GRCh38, 1-based): chr16:2,046,235, C>G on the plus strand (G>C on the coding strand, the complement: NTHL1 is on the minus strand). VCF-style: chr16-2046235-C-G. GRCh37 (hg19) VCF-style: chr16-2096236-C-G.
Other names: c.247G>C, p.Asp83His (NM_001318193.2); c.24+45G>C (NM_001318194.2); short protein forms D83H.
Identifiers: ClinVar variation 4662341 (VCV004662341.1).